The following is an entry in ClinVar:

NM_000551.4(VHL):c.340+647C>G

Genes: VHL (von Hippel-Lindau tumor suppressor; plus strand), LOC107303340 (3p25 von Hippel-Lindau tumor suppressor, E3 ubiquitin protein ligase Alu-mediated recombination region; plus strand). Cytogenetic location: 3p25.3.
Variant type: single nucleotide variant.
Coding change: c.340+647C>G on transcript NM_000551.4 (MANE Select); 647 bases into the intron after coding-DNA position 340, C replaced by G.
Molecular consequence: intron variant. On other transcripts: missense variant (1).
Genome position (GRCh38, 1-based): chr3:10,142,834, C>G. VCF-style: chr3-10142834-C-G. GRCh37 (hg19) VCF-style: chr3-10184518-C-G.
Other names: c.412C>G, p.Leu138Val (NM_001354723.2); c.340+647C>G (NM_198156.3); short protein forms L138V.
Identifiers: ClinVar variation 1051758 (VCV001051758.12), dbSNP rs929633840, ClinGen allele CA70046723.

ClinVar aggregate classification (germline): Uncertain significance (1 of 4 stars; one submission).

Conditions:
Chuvash polycythemia. Also called: POLYCYTHEMIA, VHL-DEPENDENT. Identifiers: Orphanet 238557, MedGen C1837915, MONDO:0009892, OMIM 263400.
Von Hippel-Lindau syndrome (VHLS). Also called: Von Hippel-Lindau; von Hippel–Lindau syndrome; VHL syndrome. Identifiers: Orphanet 892, MedGen C0019562, MONDO:0008667, OMIM 193300. Disease mechanism: loss of function.

Allele frequency attached by ClinVar (database versions not stated): gnomAD 0.00001.
gnomAD v4.1: 1 of 152,374 alleles (0.00066%); highest among the groups gnomAD compares: East Asian, 0.019%; no homozygotes.

Submission:

Labcorp Genetics (formerly Invitae), Labcorp
Classification: Uncertain significance for Von Hippel-Lindau syndrome; Chuvash polycythemia. Last evaluated: 2025-12-14. Review status: criteria provided, single submitter. Criteria: Invitae Variant Classification Sherloc (09022015). Collection method: clinical testing. Allele origin: germline.
Comment: This sequence change falls in intron 1 of the VHL gene. It is not expected to change the encoded amino acid sequence of the VHL protein. However, this sequence change falls within a cryptic exon in the VHL gene, known as exon E1’, which is naturally expressed at low levels in several human tissues (PMID: 29891534). This variant is present in population databases (no rsID available, gnomAD 0.06%). This variant has not been reported in the literature in individuals affected with VHL-related conditions. ClinVar contains an entry for this variant (Variation ID: 1051758). Algorithms developed to predict the effect of sequence changes on RNA splicing suggest that this variant is not likely to affect RNA splicing. In summary, the available evidence is currently insufficient to determine the role of this variant in disease. Therefore, it has been classified as a Variant of Uncertain Significance.

Literature cited by the submitters: PubMed 29891534.